The following is an entry in ClinVar:

ClinVar aggregate classification (germline): Likely benign (1 of 4 stars; one submission).

Allele frequency attached by ClinVar (database versions not stated): gnomAD exomes below 0.00001.

Submission:

GeneDx
Classification: Likely benign. Last evaluated: 2015-09-29. Review status: criteria provided, single submitter. Criteria: GeneDx Variant Classification (06012015). Collection method: clinical testing. Allele origin: germline. Affected: yes.
Comment: This variant is considered likely benign or benign based on one or more of the following criteria: it is a conservative change, it occurs at a poorly conserved position in the protein, it is predicted to be benign by multiple in silico algorithms, and/or has population frequency not consistent with disease.

NM_000535.7(PMS2):c.-29G>A

Gene: PMS2 (PMS1 homolog 2, mismatch repair system component; minus strand). Cytogenetic location: 7p22.1.
Variant type: single nucleotide variant.
Coding change: c.-29G>A on transcript NM_000535.7 (MANE Select); 29 bases upstream of the start codon, G replaced by A.
Molecular consequence: 5 prime UTR variant. On other transcripts: non-coding transcript variant (1).
Genome position (GRCh38, 1-based): chr7:6,009,048, C>T on the plus strand (G>A on the coding strand, the complement: PMS2 is on the minus strand). VCF-style: chr7-6009048-C-T. GRCh37 (hg19) VCF-style: chr7-6048679-C-T.
Other names: c.-429G>A (NM_001322003.2, NM_001322013.2); c.-294G>A (NM_001322004.2, NM_001322010.2); c.-624G>A (NM_001322005.2); c.-29G>A (NM_001322006.2, NM_001322014.2); c.-244G>A (NM_001322007.2); c.-104G>A (NM_001322008.2); c.-619G>A (NM_001322009.2); c.-913G>A (NM_001322011.2); and 2 more.
Identifiers: ClinVar variation 380726 (VCV000380726.1), dbSNP rs1057520893, ClinGen allele CA16605369.